The following is an entry in ClinVar:

NM_001002294.3(FMO3):c.627G>T (p.Gln209His)

Genes: FMO3 (flavin containing dimethylaniline monoxygenase 3; plus strand), LOC126805916 (BRD4-independent group 4 enhancer GRCh37_chr1:171076844-171078043; plus strand). Cytogenetic location: 1q24.3.
Variant type: single nucleotide variant.
Coding change: c.627G>T on transcript NM_001002294.3 (MANE Select); coding-DNA position 627, G replaced by T.
Protein change: p.Gln209His; replaces glutamine 209 with histidine.
Molecular consequence: missense variant.
Genome position (GRCh38, 1-based): chr1:171,108,221, G>T. VCF-style: chr1-171108221-G-T. GRCh37 (hg19) VCF-style: chr1-171077362-G-T.
Other names: c.567G>T, p.Gln189His (NM_001319173.2); c.438G>T, p.Gln146His (NM_001319174.2); c.627G>T, p.Gln209His (NM_006894.6); short protein forms Q146H, Q189H, Q209H.
Identifiers: ClinVar variation 4853746 (VCV004853746.1).

ClinVar aggregate classification (germline): Uncertain significance (1 of 4 stars; one submission).

gnomAD v4.1: 1 of 1,613,752 alleles (0.000062%); highest among the groups gnomAD compares: South Asian, 0.0011%; no homozygotes.

Submission:

Women's Health and Genetics/Laboratory Corporation of America, LabCorp
Classification: Uncertain significance. Last evaluated: 2026-05-21. Review status: criteria provided, single submitter. Criteria: LabCorp Variant Classification Summary - May 2015. Collection method: clinical testing. Allele origin: germline.
Comment: Variant summary: FMO3 c.627G>T (p.Gln209His) results in a non-conservative amino acid change in the encoded protein sequence. Algorithms developed to predict the effect of missense changes on protein structure and function are either unavailable or do not agree on the potential impact of this missense change. Several computational tools predict a significant impact on normal splicing: Four predict the variant abolishes a 5' splicing donor site. However, these predictions have yet to be confirmed by functional studies. The variant was absent in 251034 control chromosomes (gnomAD). The available data on variant occurrences in the general population are insufficient to allow any conclusion about variant significance. To our knowledge, no occurrence of c.627G>T in individuals affected with FMO3-related conditions and no experimental evidence demonstrating its impact on protein function have been reported. No submitters have cited clinical-significance assessments for this variant to ClinVar. Based on the evidence outlined above, the variant was classified as uncertain significance.